The following is an entry in ClinVar:

NM_001136035.4(TRMT1):c.1515A>T (p.Glu505Asp)

Gene: TRMT1 (tRNA methyltransferase 1; minus strand). Cytogenetic location: 19p13.13.
Variant type: single nucleotide variant.
Coding change: c.1515A>T on transcript NM_001136035.4 (MANE Select); coding-DNA position 1515, A replaced by T.
Protein change: p.Glu505Asp; replaces glutamic acid 505 with aspartic acid.
Molecular consequence: missense variant.
Genome position (GRCh38, 1-based): chr19:13,107,642, T>A on the plus strand (A>T on the coding strand, the complement: TRMT1 is on the minus strand). VCF-style: chr19-13107642-T-A. GRCh37 (hg19) VCF-style: chr19-13218456-T-A.
Other names: c.1428A>T, p.Glu476Asp (NM_001142554.3, NM_001351760.2); c.1407A>T, p.Glu469Asp (NM_001351761.2); c.732A>T, p.Glu244Asp (NM_001351762.2); c.1515A>T, p.Glu505Asp (NM_017722.5); short protein forms E244D, E469D, E476D, E505D.
Identifiers: ClinVar variation 736097 (VCV000736097.7), dbSNP rs114542979, ClinGen allele CA9237604.

ClinVar aggregate classification (germline): Likely benign. Review status: criteria provided, multiple submitters, no conflicts (2 of 4 stars). 3 submissions from 3 submitters: Likely benign (2). 1 of the submissions does not count toward it. Last evaluated 2019-12-31.

Conditions:
TRMT1-related disorder. Also called: TRMT1-related condition.

Allele frequency attached by ClinVar (database versions not stated): gnomAD exomes 0.00010 and 0.00026; ExAC 0.00040; 1000 Genomes Project 0.00120; 1000 Genomes Project 30x 0.00125; gnomAD 0.00127 and 0.00134; ESP Exome Variant Server 0.00131; TOPMed 0.00131.
gnomAD v4.1: 350 of 1,606,566 alleles (0.022%); highest among the groups gnomAD compares: African/African-American, 0.41%; 1 homozygote.

Submissions (3):

Labcorp Genetics (formerly Invitae), Labcorp
Classification: Likely benign. Last evaluated: 2019-12-31. Review status: criteria provided, single submitter. Criteria: Invitae Variant Classification Sherloc (09022015). Collection method: clinical testing. Allele origin: germline.

Breakthrough Genomics
Classification: Likely benign. Review status: criteria provided, single submitter. Criteria: ACMG Guidelines, 2015. Collection method: not provided. Allele origin: germline. Inheritance: Autosomal recessive inheritance. Affected: yes.

PreventionGenetics, part of Exact Sciences
Classification: Likely benign for TRMT1-related condition. Last evaluated: 2022-04-29. Review status: no assertion criteria provided. Collection method: clinical testing. Allele origin: germline. Not counted in ClinVar's aggregate classification.
Comment: This variant is classified as likely benign based on ACMG/AMP sequence variant interpretation guidelines (Richards et al. 2015 PMID: 25741868, with internal and published modifications).